The following is an entry in ClinVar:

ClinVar aggregate classification (germline): Likely benign. Review status: criteria provided, single submitter (1 of 4 stars). 2 submissions from 2 submitters: Likely benign (1). 1 of the submissions does not count toward it. Last evaluated 2025-11-29.

Conditions:
HERC1-related disorder. Also called: HERC1-related condition.

Submissions (2):

Labcorp Genetics (formerly Invitae), Labcorp
Classification: Likely benign. Last evaluated: 2025-11-29. Review status: criteria provided, single submitter. Criteria: Invitae Variant Classification Sherloc (09022015). Collection method: clinical testing. Allele origin: germline.

PreventionGenetics, part of Exact Sciences
Classification: Likely benign for HERC1-related condition. Last evaluated: 2019-11-12. Review status: no assertion criteria provided. Collection method: clinical testing. Allele origin: germline. Not counted in ClinVar's aggregate classification.
Comment: This variant is classified as likely benign based on ACMG/AMP sequence variant interpretation guidelines (Richards et al. 2015 PMID: 25741868, with internal and published modifications).

NM_003922.4(HERC1):c.10085-6_10085-4del

Gene: HERC1 (HECT and RLD domain containing E3 ubiquitin protein ligase family member 1; minus strand). Cytogenetic location: 15q22.31.
Variant type: Microsatellite.
Coding change: c.10085-6_10085-4del on transcript NM_003922.4 (MANE Select); 6 bases into the intron before coding-DNA position 10085 through 4 bases into the intron before coding-DNA position 10085, 3 bases deleted (CTG; older notation c.10085-6_10085-4delCTG).
Molecular consequence: intron variant.
Genome position (GRCh38, 1-based): chr15:63,654,328-63,654,330, CAG deleted on the plus strand (CTG on the coding strand, the reverse complement: HERC1 is on the minus strand); deleting any 3 consecutive bases within chr15:63,654,328-63,654,333 gives the same sequence; the c. name uses the placement nearest the transcript's 3' end. VCF-style (leftmost placement, unchanged base first): chr15-63654327-ACAG-A. GRCh37 (hg19) VCF-style: chr15-63946526-ACAG-A.
Other names: c.10085-6_10085-4delCTG (NM_003922.3).
Identifiers: ClinVar variation 2179624 (VCV002179624.6), dbSNP rs767981204, ClinGen allele CA7604553.